The following is an entry in ClinVar:

NM_001270508.2(TNFAIP3):c.464C>T (p.Thr155Met)

Gene: TNFAIP3 (TNF alpha induced protein 3; plus strand). Cytogenetic location: 6q23.3.
Variant type: single nucleotide variant.
Coding change: c.464C>T on transcript NM_001270508.2 (MANE Select); coding-DNA position 464, C replaced by T.
Protein change: p.Thr155Met; replaces threonine 155 with methionine.
Molecular consequence: missense variant.
Genome position (GRCh38, 1-based): chr6:137,875,013, C>T. VCF-style: chr6-137875013-C-T. GRCh37 (hg19) VCF-style: chr6-138196150-C-T.
Other names: c.464C>T, p.Thr155Met (NM_001270507.2, NM_006290.4); short protein forms T155M.
Identifiers: ClinVar variation 1351529 (VCV001351529.9), dbSNP rs750716064, ClinGen allele CA4019422.

ClinVar aggregate classification (germline): Uncertain significance. Review status: criteria provided, multiple submitters, no conflicts (2 of 4 stars). 2 submissions from 2 submitters: Uncertain significance (2). Last evaluated 2025-07-15.

Allele frequency attached by ClinVar (database versions not stated): gnomAD 0.00002 and 0.00003; TOPMed 0.00003; gnomAD exomes 0.00004; ExAC 0.00007.
gnomAD v4.1: 58 of 1,614,058 alleles (0.0036%); highest among the groups gnomAD compares: Admixed American, 0.005%; no homozygotes.

Submissions (2):

Labcorp Genetics (formerly Invitae), Labcorp
Classification: Uncertain significance. Last evaluated: 2025-07-15. Review status: criteria provided, single submitter. Criteria: Invitae Variant Classification Sherloc (09022015). Collection method: clinical testing. Allele origin: germline.
Comment: This sequence change replaces threonine, which is neutral and polar, with methionine, which is neutral and non-polar, at codon 155 of the TNFAIP3 protein (p.Thr155Met). This variant is present in population databases (rs750716064, gnomAD 0.007%). This variant has not been reported in the literature in individuals affected with TNFAIP3-related conditions. ClinVar contains an entry for this variant (Variation ID: 1351529). Invitae Evidence Modeling of protein sequence and biophysical properties (such as structural, functional, and spatial information, amino acid conservation, physicochemical variation, residue mobility, and thermodynamic stability) has been performed for this missense variant. However, the output from this modeling did not meet the statistical confidence thresholds required to predict the impact of this variant on TNFAIP3 protein function. In summary, the available evidence is currently insufficient to determine the role of this variant in disease. Therefore, it has been classified as a Variant of Uncertain Significance.

Centre of Medical Genetics, University Hospital Muenster
Classification: Uncertain significance. Last evaluated: 2023-10-12. Review status: criteria provided, single submitter. Criteria: ACMG Guidelines, 2015. Collection method: clinical testing. Allele origin: unknown. Affected: yes. Observed: 1 variant allele, 1 heterozygote.
Comment: ACMG categories: PS4